The following is an entry in ClinVar:

NM_001349.4(DARS1):c.124+15G>T

Gene: DARS1 (aspartyl-tRNA synthetase 1; minus strand). Cytogenetic location: 2q21.3.
Variant type: single nucleotide variant.
Coding change: c.124+15G>T on transcript NM_001349.4 (MANE Select); 15 bases into the intron after coding-DNA position 124, G replaced by T.
Molecular consequence: intron variant.
Genome position (GRCh38, 1-based): chr2:135,983,382, C>A on the plus strand (G>T on the coding strand, the complement: DARS1 is on the minus strand). VCF-style: chr2-135983382-C-A. GRCh37 (hg19) VCF-style: chr2-136740952-C-A.
Other names: c.-177+2021G>T (NM_001293312.1).
Identifiers: ClinVar variation 389992 (VCV000389992.10), dbSNP rs181377990, ClinGen allele CA1889944.

ClinVar aggregate classification (germline): Likely benign. Review status: criteria provided, multiple submitters, no conflicts (2 of 4 stars). 3 submissions from 3 submitters: Likely benign (3). Last evaluated 2025-12-04.

Allele frequency attached by ClinVar (database versions not stated): ESP Exome Variant Server 0.00015; 1000 Genomes Project 30x 0.00016; 1000 Genomes Project 0.00020; gnomAD 0.00026 and 0.00028; gnomAD exomes 0.00027; TOPMed 0.00035; ExAC 0.00037.
gnomAD v4.1: 311 of 940,454 alleles (0.033%); highest among the groups gnomAD compares: Admixed American, 0.054%; no homozygotes.

Submissions (3):

Labcorp Genetics (formerly Invitae), Labcorp
Classification: Likely benign. Last evaluated: 2025-12-04. Review status: criteria provided, single submitter. Criteria: Invitae Variant Classification Sherloc (09022015). Collection method: clinical testing. Allele origin: germline.

Blueprint Genetics
Classification: Likely benign. Last evaluated: 2024-11-22. Review status: criteria provided, single submitter. Criteria: ACMG Guidelines, 2015. Collection method: clinical testing. Allele origin: germline.

GeneDx
Classification: Likely benign. Last evaluated: 2017-06-05. Review status: criteria provided, single submitter. Criteria: GeneDx Variant Classification (06012015). Collection method: clinical testing. Allele origin: germline. Affected: yes.
Comment: This variant is considered likely benign or benign based on one or more of the following criteria: it is a conservative change, it occurs at a poorly conserved position in the protein, it is predicted to be benign by multiple in silico algorithms, and/or has population frequency not consistent with disease.